The following is an entry in ClinVar:

NM_000051.4(ATM):c.2761G>T (p.Ala921Ser)

Gene: ATM (ATM serine/threonine kinase; plus strand). Cytogenetic location: 11q22.3.
Variant type: single nucleotide variant.
Coding change: c.2761G>T on transcript NM_000051.4 (MANE Select); coding-DNA position 2761, G replaced by T.
Protein change: p.Ala921Ser; replaces alanine 921 with serine.
Molecular consequence: missense variant.
Genome position (GRCh38, 1-based): chr11:108,268,532, G>T. VCF-style: chr11-108268532-G-T. GRCh37 (hg19) VCF-style: chr11-108139259-G-T.
Other names: c.2761G>T, p.Ala921Ser (NM_001351834.2); short protein forms A921S.
Identifiers: ClinVar variation 4539296 (VCV004539296.1).

ClinVar aggregate classification (germline): Uncertain significance (1 of 4 stars; one submission).

Submission:

Center for Genomic Medicine, Rigshospitalet, Copenhagen University Hospital
Classification: Uncertain significance. Last evaluated: 2025-12-29. Review status: criteria provided, single submitter. Criteria: ACMG Guidelines, 2015. Collection method: clinical testing. Allele origin: germline.
Comment: Classification criteria: BP4